The following is an entry in ClinVar:

NM_130468.4(CHST14):c.283C>T (p.Leu95Phe)

Gene: CHST14 (carbohydrate sulfotransferase 14; plus strand). Cytogenetic location: 15q15.1.
Variant type: single nucleotide variant.
Coding change: c.283C>T on transcript NM_130468.4 (MANE Select); coding-DNA position 283, C replaced by T.
Protein change: p.Leu95Phe; replaces leucine 95 with phenylalanine.
Molecular consequence: missense variant.
Genome position (GRCh38, 1-based): chr15:40,471,496, C>T. VCF-style: chr15-40471496-C-T. GRCh37 (hg19) VCF-style: chr15-40763695-C-T.
Other names: short protein forms L95F.
Identifiers: ClinVar variation 1064228 (VCV001064228.6), dbSNP rs755535418, ClinGen allele CA7481573.

ClinVar aggregate classification (germline): Uncertain significance (1 of 4 stars; one submission).

Conditions:
Ehlers-Danlos syndrome, musculocontractural type (EDSMC). Also called: Adducted thumb, clubfoot, progressive joint and skin laxity syndrome; DUNDAR SYNDROME; ADDUCTED THUMB-CLUBFOOT SYNDROME; ARTHROGRYPOSIS, DISTAL, WITH PECULIAR FACIES AND HYDRONEPHROSIS. Identifiers: Orphanet 2953, MedGen C1866294, MONDO:0011142.

Allele frequency attached by ClinVar (database versions not stated): gnomAD 0.00001; gnomAD exomes 0.00001 and 0.00004; ExAC 0.00004.
gnomAD v4.1: 19 of 1,600,728 alleles (0.0012%); highest among the groups gnomAD compares: South Asian, 0.021%; no homozygotes.

Submission:

Labcorp Genetics (formerly Invitae), Labcorp
Classification: Uncertain significance for Ehlers-Danlos syndrome, musculocontractural type. Last evaluated: 2021-08-24. Review status: criteria provided, single submitter. Criteria: Invitae Variant Classification Sherloc (09022015). Collection method: clinical testing. Allele origin: germline.
Comment: This sequence change replaces leucine with phenylalanine at codon 95 of the CHST14 protein (p.Leu95Phe). The leucine residue is moderately conserved and there is a small physicochemical difference between leucine and phenylalanine. This variant is present in population databases (rs755535418, ExAC 0.02%). This variant has not been reported in the literature in individuals affected with CHST14-related conditions. Algorithms developed to predict the effect of missense changes on protein structure and function (SIFT, PolyPhen-2, Align-GVGD) all suggest that this variant is likely to be tolerated. In summary, the available evidence is currently insufficient to determine the role of this variant in disease. Therefore, it has been classified as a Variant of Uncertain Significance.